The following is an entry in ClinVar:

ClinVar aggregate classification (germline): Uncertain significance (1 of 4 stars; one submission).

Submission:

CeGaT Center for Human Genetics Tuebingen
Classification: Uncertain significance. Last evaluated: 2023-09-01. Review status: criteria provided, single submitter. Criteria: CeGaT Center For Human Genetics Tuebingen Variant Classification Criteria Version 2. Collection method: clinical testing. Allele origin: germline. Affected: yes. Observed: 1 variant allele.
Comment: KANSL1: PM2, BP1

NM_015443.4(KANSL1):c.529A>G (p.Asn177Asp)

Gene: KANSL1 (KAT8 regulatory NSL complex subunit 1). Cytogenetic location: 17q21.31.
Variant type: single nucleotide variant.
Coding change: c.529A>G on transcript NM_015443.4 (MANE Select); coding-DNA position 529, A replaced by G.
Protein change: p.Asn177Asp; replaces asparagine 177 with aspartic acid.
Molecular consequence: missense variant. On other transcripts: intron variant (4).
Genome position (GRCh38, 1-based): chr17:46,171,615, T>C on the plus strand (A>G on the coding strand, the complement: KANSL1 is on the minus strand). VCF-style: chr17-46171615-T-C. GRCh37 (hg19) VCF-style: chr17-44248981-T-C.
Other names: c.529A>G, p.Asn177Asp (NM_001405859.1, NM_001405860.1, NM_001405861.1 and 18 more transcripts); c.23+52056A>G (NM_001405885.1, NM_001405884.1, NM_001405883.1 and 1 more transcripts); short protein forms N177D.
Identifiers: ClinVar variation 2582958 (VCV002582958.25), dbSNP rs1487207508, ClinGen allele CA399981664.